The following is an entry in ClinVar:

NM_001692.4(ATP6V1B1):c.1462C>G (p.Arg488Gly)

Gene: ATP6V1B1 (ATPase H+ transporting V1 subunit B1; plus strand). Cytogenetic location: 2p13.3.
Variant type: single nucleotide variant.
Coding change: c.1462C>G on transcript NM_001692.4 (MANE Select); coding-DNA position 1462, C replaced by G.
Protein change: p.Arg488Gly; replaces arginine 488 with glycine.
Molecular consequence: missense variant.
Genome position (GRCh38, 1-based): chr2:70,965,041, C>G. VCF-style: chr2-70965041-C-G. GRCh37 (hg19) VCF-style: chr2-71192171-C-G.
Other names: short protein forms R488G.
Identifiers: ClinVar variation 1951166 (VCV001951166.2), dbSNP rs782426235, ClinGen allele CA347189681.

ClinVar aggregate classification (germline): Uncertain significance (1 of 4 stars; one submission).

Submission:

Labcorp Genetics (formerly Invitae), Labcorp
Classification: Uncertain significance. Last evaluated: 2022-08-21. Review status: criteria provided, single submitter. Criteria: Invitae Variant Classification Sherloc (09022015). Collection method: clinical testing. Allele origin: germline.
Comment: This sequence change replaces arginine, which is basic and polar, with glycine, which is neutral and non-polar, at codon 488 of the ATP6V1B1 protein (p.Arg488Gly). This variant is not present in population databases (gnomAD no frequency). This variant has not been reported in the literature in individuals affected with ATP6V1B1-related conditions. Algorithms developed to predict the effect of missense changes on protein structure and function are either unavailable or do not agree on the potential impact of this missense change (SIFT: "Deleterious"; PolyPhen-2: "Probably Damaging"; Align-GVGD: "Class C0"). In summary, the available evidence is currently insufficient to determine the role of this variant in disease. Therefore, it has been classified as a Variant of Uncertain Significance.